The following is an entry in ClinVar:

NM_001873.4(CPE):c.87G>T (p.Glu29Asp)

Gene: CPE (carboxypeptidase E; plus strand). Cytogenetic location: 4q32.3.
Variant type: single nucleotide variant.
Coding change: c.87G>T on transcript NM_001873.4 (MANE Select); coding-DNA position 87, G replaced by T.
Protein change: p.Glu29Asp; replaces glutamic acid 29 with aspartic acid.
Molecular consequence: missense variant.
Genome position (GRCh38, 1-based): chr4:165,379,308, G>T. VCF-style: chr4-165379308-G-T. GRCh37 (hg19) VCF-style: chr4-166300460-G-T.
Other names: short protein forms E29D.
Identifiers: ClinVar variation 4978224 (VCV004978224.1).
Genomic context (GRCh38, chr4:165,379,308, plus strand): 5'-GCTGGCTCTGTGCGGGGCACTGGCTGCCTGCGGGTGGCTCCTGGGCGCCGAAGCCCAGGA[G>T]CCCGGGGCGCCCGCGGCGGGCATGAGGCGGCGCCGGCGGCTGCAGCAAGAGGACGGCATC-3'
Protein context (NP_001864.1, residues 19-39): CGWLLGAEAQ[Glu29Asp]PGAPAAGMRR

ClinVar aggregate classification (germline): Uncertain significance (1 of 4 stars; one submission).

Conditions:
CPE-related disorder. Also called: CPE-related condition.

gnomAD v4.1: 3 of 1,547,804 alleles (0.00019%); highest among the groups gnomAD compares: South Asian, 0.0012%; no homozygotes.

Submission:

PreventionGenetics, part of Exact Sciences
Classification: Uncertain significance for CPE-related condition. Last evaluated: 2026-02-25. Review status: criteria provided, single submitter. Criteria: ACMG Guidelines, 2015. Collection method: clinical testing. Allele origin: germline.
Comment: The CPE c.87G>T variant is predicted to result in the amino acid substitution p.Glu29Asp. To our knowledge, this variant has not been reported in the literature or in a large population database (gnomAD), indicating this variant is rare. At this time, the clinical significance of this variant is uncertain due to the absence of conclusive functional and genetic evidence.